The following is an entry in ClinVar:

ClinVar aggregate classification (germline): Uncertain significance (1 of 4 stars; one submission).

gnomAD v4.1: 15 of 1,613,378 alleles (0.00093%); highest among the groups gnomAD compares: African/African-American, 0.019%; no homozygotes.

Submission:

GeneDx
Classification: Uncertain significance. Last evaluated: 2025-03-18. Review status: criteria provided, single submitter. Criteria: GeneDx Variant Classification Process June 2021. Collection method: clinical testing. Allele origin: germline. Affected: yes.
Comment: In silico analysis indicates that this missense variant does not alter protein structure/function; Has not been previously published as pathogenic or benign to our knowledge

NM_194323.3(OTOF):c.3571A>G (p.Ile1191Val)

Gene: OTOF (otoferlin; minus strand). Cytogenetic location: 2p23.3.
Variant type: single nucleotide variant.
Coding change: c.3571A>G on transcript NM_194323.3 (MANE Plus Clinical); coding-DNA position 3571, A replaced by G.
Protein change: p.Ile1191Val; replaces isoleucine 1191 with valine.
Molecular consequence: missense variant. On other transcripts: 3 prime UTR variant (3).
Genome position (GRCh38, 1-based): chr2:26,458,162, T>C on the plus strand (A>G on the coding strand, the complement: OTOF is on the minus strand). VCF-style: chr2-26458162-T-C. GRCh37 (hg19) VCF-style: chr2-26681030-T-C.
Other names: c.5872A>G, p.Ile1958Val (NM_001287489.2); c.*76A>G (NM_004802.4, NM_194248.3, NM_194322.3); short protein forms I1191V, I1958V.
Identifiers: ClinVar variation 4086560 (VCV004086560.1).